The following is an entry in ClinVar:

NM_014915.3(ANKRD26):c.3826C>A (p.Arg1276=)

Gene: ANKRD26 (ankyrin repeat domain 26; minus strand). Cytogenetic location: 10p12.1.
Variant type: single nucleotide variant.
Coding change: c.3826C>A on transcript NM_014915.3 (MANE Select); coding-DNA position 3826, C replaced by A.
Protein change: p.Arg1276=; no amino-acid change (arginine 1276 retained).
Molecular consequence: synonymous variant.
Genome position (GRCh38, 1-based): chr10:27,029,338, G>T on the plus strand (C>A on the coding strand, the complement: ANKRD26 is on the minus strand). VCF-style: chr10-27029338-G-T. GRCh37 (hg19) VCF-style: chr10-27318267-G-T.
Other names: c.3823C>A, p.Arg1275= (NM_001256053.2).
Identifiers: ClinVar variation 2018715 (VCV002018715.4), dbSNP rs776024539, ClinGen allele CA468487987.

ClinVar aggregate classification (germline): Uncertain significance (1 of 4 stars; one submission).

gnomAD v4.1: 1 of 1,612,338 alleles (0.000062%); highest among the groups gnomAD compares: Non-Finnish European, 0.000085%; no homozygotes.

Submission:

Labcorp Genetics (formerly Invitae), Labcorp
Classification: Uncertain significance. Last evaluated: 2022-07-22. Review status: criteria provided, single submitter. Criteria: Invitae Variant Classification Sherloc (09022015). Collection method: clinical testing. Allele origin: germline.
Comment: In summary, the available evidence is currently insufficient to determine the role of this variant in disease. Therefore, it has been classified as a Variant of Uncertain Significance. Algorithms developed to predict the effect of sequence changes on RNA splicing suggest that this variant may disrupt the consensus splice site. This variant has not been reported in the literature in individuals affected with ANKRD26-related conditions. This variant is not present in population databases (gnomAD no frequency). This sequence change affects codon 1276 of the ANKRD26 mRNA. It is a 'silent' change, meaning that it does not change the encoded amino acid sequence of the ANKRD26 protein.